The following is an entry in ClinVar:

ClinVar aggregate classification (germline): Benign/Likely benign. Review status: criteria provided, multiple submitters, no conflicts (2 of 4 stars). 4 submissions from 4 submitters: Benign (3); Likely benign (1). Last evaluated 2026-01-21.

Conditions:
X-linked sideroblastic anemia with ataxia (SCAX6). Also called: SPINOCEREBELLAR ATAXIA, X-LINKED 6, WITH OR WITHOUT SIDEROBLASTIC ANEMIA. Identifiers: Orphanet 2802, MedGen C1845028, MONDO:0010524, OMIM 301310.

Allele frequency attached by ClinVar (database versions not stated): ESP Exome Variant Server 0.00019; gnomAD 0.00087 and 0.00132; gnomAD exomes 0.00107 and 0.00280; TOPMed 0.00193; ExAC 0.00316; 1000 Genomes Project 30x 0.00583; 1000 Genomes Project 0.00636.
gnomAD v4.1: 1,270 of 1,155,347 alleles (0.11%); highest among the groups gnomAD compares: East Asian, 3%; 11 homozygotes.

Submissions (4):

Labcorp Genetics (formerly Invitae), Labcorp
Classification: Benign. Last evaluated: 2026-01-21. Review status: criteria provided, single submitter. Criteria: Invitae Variant Classification Sherloc (09022015). Collection method: clinical testing. Allele origin: germline.

Fulgent Genetics
Classification: Likely benign for X-linked sideroblastic anemia with ataxia. Last evaluated: 2022-01-26. Review status: criteria provided, single submitter. Criteria: ACMG Guidelines, 2015. Collection method: clinical testing. Allele origin: unknown.

GeneDx
Classification: Benign. Last evaluated: 2017-01-01. Review status: criteria provided, single submitter. Criteria: GeneDx Variant Classification (06012015). Collection method: clinical testing. Allele origin: germline. Affected: yes.
Comment: This variant is considered likely benign or benign based on one or more of the following criteria: it is a conservative change, it occurs at a poorly conserved position in the protein, it is predicted to be benign by multiple in silico algorithms, and/or has population frequency not consistent with disease.

Breakthrough Genomics
Classification: Benign. Review status: criteria provided, single submitter. Criteria: ACMG Guidelines, 2015. Collection method: not provided. Allele origin: germline. Inheritance: X-linked inheritance. Affected: yes.

NM_001271696.3(ABCB7):c.1032+12A>G

Gene: ABCB7 (ATP binding cassette subfamily B member 7; minus strand). Cytogenetic location: Xq13.3.
Variant type: single nucleotide variant.
Coding change: c.1032+12A>G on transcript NM_001271696.3 (MANE Select); 12 bases into the intron after coding-DNA position 1032, A replaced by G.
Molecular consequence: intron variant.
Genome position (GRCh38, 1-based): chrX:75,073,677, T>C on the plus strand (A>G on the coding strand, the complement: ABCB7 is on the minus strand). VCF-style: chrX-75073677-T-C. GRCh37 (hg19) VCF-style: chrX-74293512-T-C.
Other names: c.954+12A>G (NM_001271698.3); c.912+12A>G (NM_001271697.3); c.915+12A>G (NM_001271699.3); c.1035+12A>G (NM_004299.6).
Identifiers: ClinVar variation 368658 (VCV000368658.14), dbSNP rs148980611, ClinGen allele CA10455446.